The following is an entry in ClinVar:

ClinVar aggregate classification (germline): Uncertain significance (1 of 4 stars; one submission).

Submission:

Labcorp Genetics (formerly Invitae), Labcorp
Classification: Uncertain significance. Last evaluated: 2023-10-12. Review status: criteria provided, single submitter. Criteria: Invitae Variant Classification Sherloc (09022015). Collection method: clinical testing. Allele origin: germline.
Comment: This sequence change creates a premature translational stop signal (p.Ser69Alafs*46) in the TNNI3K gene. It is expected to result in an absent or disrupted protein product. However, the current clinical and genetic evidence is not sufficient to establish whether loss-of-function variants in TNNI3K cause disease. This variant is not present in population databases (gnomAD no frequency). This variant has not been reported in the literature in individuals affected with TNNI3K-related conditions. In summary, the available evidence is currently insufficient to determine the role of this variant in disease. Therefore, it has been classified as a Variant of Uncertain Significance.

NM_015978.3(TNNI3K):c.201_204dup (p.Ser69fs)

Genes: FPGT-TNNI3K (FPGT-TNNI3K readthrough; plus strand), TNNI3K (TNNI3 interacting kinase; plus strand). Cytogenetic location: 1p31.1.
Variant type: Duplication.
Coding change: c.201_204dup on transcript NM_015978.3 (MANE Select); coding-DNA positions 201 to 204, 4 bases duplicated (GCTG; older notation c.201_204dupGCTG).
Protein change: p.Ser69fs; shifts the reading frame from serine 69.
Molecular consequence: frameshift variant.
Genome position (GRCh38, 1-based): chr1:74,249,510-74,249,513, GCTG duplicated; duplicating any 4 consecutive bases within chr1:74,249,509-74,249,513 gives the same sequence; the c. name uses the placement nearest the transcript's 3' end. VCF-style (leftmost placement, unchanged base first): chr1-74249508-G-GGGCT. GRCh37 (hg19) VCF-style: chr1-74715192-G-GGGCT.
Other names: c.504_507dup, p.Ser170fs (NM_001112808.3, NM_001199327.2); short protein forms S170fs, S69fs.
Identifiers: ClinVar variation 2880492 (VCV002880492.3), dbSNP rs2524364229, ClinGen allele CA2739272623.